The following is an entry in ClinVar:

NM_000070.3(CAPN3):c.1132T>C (p.Phe378Leu)

Gene: CAPN3 (calpain 3; plus strand). Cytogenetic location: 15q15.1.
Variant type: single nucleotide variant.
Coding change: c.1132T>C on transcript NM_000070.3 (MANE Select); coding-DNA position 1132, T replaced by C.
Protein change: p.Phe378Leu; replaces phenylalanine 378 with leucine.
Molecular consequence: missense variant.
Genome position (GRCh38, 1-based): chr15:42,396,816, T>C. VCF-style: chr15-42396816-T-C. GRCh37 (hg19) VCF-style: chr15-42689014-T-C.
Other names: c.1132T>C, p.Phe378Leu (NM_024344.2); c.988T>C, p.Phe330Leu (NM_173087.2); short protein forms F330L, F378L.
Identifiers: ClinVar variation 655092 (VCV000655092.9), dbSNP rs1595831381, ClinGen allele CA391999153.

ClinVar aggregate classification (germline): Uncertain significance (1 of 4 stars; one submission).

Conditions:
Autosomal recessive limb-girdle muscular dystrophy type 2A (LGMDR1). Also called: Limb-girdle muscular dystrophy, type 2A; Calpainopathy; MUSCULAR DYSTROPHY, PELVOFEMORAL; LEYDEN-MOEBIUS MUSCULAR DYSTROPHY; Muscular dystrophy, limb-girdle, type 2A, Amish. Identifiers: Orphanet 267, MedGen C1869123, MONDO:0009675, OMIM 253600. Disease mechanism: loss of function.

Submission:

Labcorp Genetics (formerly Invitae), Labcorp
Classification: Uncertain significance for Autosomal recessive limb-girdle muscular dystrophy type 2A. Last evaluated: 2018-08-08. Review status: criteria provided, single submitter. Criteria: Invitae Variant Classification Sherloc (09022015). Collection method: clinical testing. Allele origin: germline.
Comment: In summary, the available evidence is currently insufficient to determine the role of this variant in disease. Therefore, it has been classified as a Variant of Uncertain Significance. Algorithms developed to predict the effect of missense changes on protein structure and function output the following: SIFT: "Tolerated"; PolyPhen-2: "Benign"; Align-GVGD: "Class C0". The leucine amino acid residue is found in multiple mammalian species, suggesting that this missense change does not adversely affect protein function. These predictions have not been confirmed by published functional studies and their clinical significance is uncertain. This variant has not been reported in the literature in individuals with CAPN3-related disease. This variant is not present in population databases (ExAC no frequency). This sequence change replaces phenylalanine with leucine at codon 378 of the CAPN3 protein (p.Phe378Leu). The phenylalanine residue is moderately conserved and there is a small physicochemical difference between phenylalanine and leucine.